The following is an entry in ClinVar:

ClinVar aggregate classification (germline): Uncertain significance (1 of 4 stars; one submission).

Conditions:
Mucolipidosis type II. Also called: Mucolipidosis 2; ML 2; Inclusion cell disease; Leroy Disease; N-acetylglucosamine 1phosphotransferase deficiency; ML disorder type 2. Identifiers: Orphanet 576, MedGen C2673377, MONDO:0009650, OMIM 252500.
Pseudo-Hurler polydystrophy. Also called: ML IIIA; Mucolipidosis III Alpha/Beta; MUCOLIPIDOSIS IIIA; ML III; ML III ALPHA/BETA; Type III Mucolipidosis. Identifiers: Orphanet 423461, Orphanet 577, MedGen C0033788, MONDO:0018931, OMIM 252600.

Allele frequency attached by ClinVar (database versions not stated): ESP Exome Variant Server 0.00008; TOPMed 0.00001; gnomAD exomes 0.00001; ExAC 0.00004; gnomAD 0.00004.
gnomAD v4.1: 27 of 1,613,840 alleles (0.0017%); highest among the groups gnomAD compares: African/African-American, 0.0013%; no homozygotes.

Submission:

Labcorp Genetics (formerly Invitae), Labcorp
Classification: Uncertain significance for Pseudo-Hurler polydystrophy; Mucolipidosis type II. Last evaluated: 2023-11-27. Review status: criteria provided, single submitter. Criteria: Invitae Variant Classification Sherloc (09022015). Collection method: clinical testing. Allele origin: germline.
Comment: This sequence change replaces arginine, which is basic and polar, with glutamine, which is neutral and polar, at codon 1189 of the GNPTAB protein (p.Arg1189Gln). This variant is present in population databases (rs141007019, gnomAD 0.03%). This variant has not been reported in the literature in individuals affected with GNPTAB-related conditions. ClinVar contains an entry for this variant (Variation ID: 2166304). Advanced modeling of protein sequence and biophysical properties (such as structural, functional, and spatial information, amino acid conservation, physicochemical variation, residue mobility, and thermodynamic stability) performed at Invitae indicates that this missense variant is expected to disrupt GNPTAB protein function with a positive predictive value of 80%. In summary, the available evidence is currently insufficient to determine the role of this variant in disease. Therefore, it has been classified as a Variant of Uncertain Significance.

NM_024312.5(GNPTAB):c.3566G>A (p.Arg1189Gln)

Gene: GNPTAB (N-acetylglucosamine-1-phosphate transferase subunits alpha and beta; minus strand). Cytogenetic location: 12q23.2.
Variant type: single nucleotide variant.
Coding change: c.3566G>A on transcript NM_024312.5 (MANE Select); coding-DNA position 3566, G replaced by A.
Protein change: p.Arg1189Gln; replaces arginine 1189 with glutamine.
Molecular consequence: missense variant.
Genome position (GRCh38, 1-based): chr12:101,753,408, C>T on the plus strand (G>A on the coding strand, the complement: GNPTAB is on the minus strand). VCF-style: chr12-101753408-C-T. GRCh37 (hg19) VCF-style: chr12-102147186-C-T.
Other names: short protein forms R1189Q.
Identifiers: ClinVar variation 2166304 (VCV002166304.4), dbSNP rs141007019, ClinGen allele CA6746118.